The following is an entry in ClinVar:

NM_015059.3(TLN2):c.1374G>A (p.Ser458=)

Gene: TLN2 (talin 2; plus strand). Cytogenetic location: 15q22.2.
Variant type: single nucleotide variant.
Coding change: c.1374G>A on transcript NM_015059.3 (MANE Select); coding-DNA position 1374, G replaced by A.
Protein change: p.Ser458=; no amino-acid change (serine 458 retained).
Molecular consequence: synonymous variant.
Genome position (GRCh38, 1-based): chr15:62,697,769, G>A. VCF-style: chr15-62697769-G-A. GRCh37 (hg19) VCF-style: chr15-62989968-G-A.
Other names: c.1374G>A, p.Ser458= (NM_001394547.1).
Identifiers: ClinVar variation 2645407 (VCV002645407.24), dbSNP rs147182716, ClinGen allele CA7598803.

ClinVar aggregate classification (germline): Likely benign (1 of 4 stars; one submission).

Allele frequency attached by ClinVar (database versions not stated): ExAC 0.00013; ESP Exome Variant Server 0.00077; 1000 Genomes Project 30x 0.00094; 1000 Genomes Project 0.00100.
gnomAD v4.1: 149 of 1,612,730 alleles (0.0092%); highest among the groups gnomAD compares: African/African-American, 0.14%; no homozygotes.

Submission:

CeGaT Center for Human Genetics Tuebingen
Classification: Likely benign. Last evaluated: 2023-03-01. Review status: criteria provided, single submitter. Criteria: CeGaT Center For Human Genetics Tuebingen Variant Classification Criteria Version 2. Collection method: clinical testing. Allele origin: germline. Affected: yes. Observed: 2 variant alleles.
Comment: TLN2: BP4, BP7